The following is an entry in ClinVar:

ClinVar aggregate classification (germline): Likely pathogenic (1 of 4 stars; one submission).

Conditions:
Autosomal recessive limb-girdle muscular dystrophy type 2G (LGMDR7). Also called: Telethoninopathy; MUSCULAR DYSTROPHY, LIMB-GIRDLE, AUTOSOMAL RECESSIVE 7; Limb-girdle muscular dystrophy, type 2G. Identifiers: Orphanet 34514, MedGen C1866008, MONDO:0011170, OMIM 601954.

Submission:

Foundation for Research in Genetics and Endocrinology, FRIGE's Institute of Human Genetics
Classification: Likely pathogenic for Autosomal recessive limb-girdle muscular dystrophy type 2G. Last evaluated: 2025-07-09. Review status: criteria provided, single submitter. Criteria: ACMG Guidelines, 2015. Collection method: clinical testing. Allele origin: germline. Inheritance: Autosomal recessive inheritance. Affected: yes. Observed: 1 homozygote.
Comment: The homozygous frameshift deletion variant c.165del (p.Gln56Serfs*12) has been detected in the TCAP gene and it leads to protein truncation 12 amino acids downstream of codon 56. This variant has not been reported in population frequency databases such as gnomAD and ExAC. In summary, the variant meets our criteria to be classified as likely pathogenic.

NM_003673.4(TCAP):c.165del (p.Gln56fs)

Gene: TCAP (titin-cap; plus strand). Cytogenetic location: 17q12.
Variant type: Deletion.
Coding change: c.165del on transcript NM_003673.4 (MANE Select); coding-DNA position 165, one base deleted (G; older notation c.165delG).
Protein change: p.Gln56fs; shifts the reading frame from glutamine 56.
Molecular consequence: frameshift variant.
Genome position (GRCh38, 1-based): chr17:39,665,770, G deleted; the last of 4 consecutive G bases (chr17:39,665,767-39,665,770); deleting any one gives the same sequence. VCF-style (leftmost placement, unchanged base first): chr17-39665766-AG-A. GRCh37 (hg19) VCF-style: chr17-37822019-AG-A.
Other names: p.Gln56Serfs*12; short protein forms Q56fs.
Identifiers: ClinVar variation 4073562 (VCV004073562.1).
Genomic context (GRCh38, chr17:39,665,766, plus strand): 5'-CTCTCCCCAGCTGCTCCCTGCATGAGGAGGACACCCAGAGACATGAGACCTACCACCAGC[AG>A]GGGCAGTGCCAGGTGCTGGTGCAGCGCTCGCCCTGGCTGATGATGCGGATGGGCATCCTC-3'